The following is an entry in ClinVar:

NM_002386.4(MC1R):c.892T>G (p.Tyr298Asp)

Gene: MC1R (melanocortin 1 receptor; plus strand). Cytogenetic location: 16q24.3.
Variant type: single nucleotide variant.
Coding change: c.892T>G on transcript NM_002386.4 (MANE Select); coding-DNA position 892, T replaced by G.
Protein change: p.Tyr298Asp; replaces tyrosine 298 with aspartic acid.
Molecular consequence: missense variant.
Genome position (GRCh38, 1-based): chr16:89,920,150, T>G. VCF-style: chr16-89920150-T-G. GRCh37 (hg19) VCF-style: chr16-89986558-T-G.
Other names: short protein forms Y298D.
Identifiers: ClinVar variation 5024077 (VCV005024077.1).

ClinVar aggregate classification (germline): Uncertain significance (1 of 4 stars; one submission).

Submission:

Ambry Genetics
Classification: Uncertain significance. Last evaluated: 2026-08-08. Review status: criteria provided, single submitter. Criteria: Ambry Variant Classification Scheme 2023. Collection method: clinical testing. Allele origin: germline.
Comment: The p.Y298D variant (also known as c.892T>G), located in coding exon 1 of the MC1R gene, results from a T to G substitution at nucleotide position 892. The tyrosine at codon 298 is replaced by aspartic acid, an amino acid with highly dissimilar properties. This amino acid position is conserved. In addition, this alteration is predicted to be deleterious by in silico analysis. Based on the available evidence, the clinical significance of this variant remains unclear.